The following is an entry in ClinVar:

NM_001211.6(BUB1B):c.2942G>A (p.Ser981Asn)

Genes: BUB1B (BUB1 mitotic checkpoint serine/threonine kinase B; plus strand), BUB1B-PAK6 (BUB1B-PAK6 readthrough; plus strand). Cytogenetic location: 15q15.1.
Variant type: single nucleotide variant.
Coding change: c.2942G>A on transcript NM_001211.6 (MANE Select); coding-DNA position 2942, G replaced by A.
Protein change: p.Ser981Asn; replaces serine 981 with asparagine.
Molecular consequence: missense variant. On other transcripts: intron variant (2).
Genome position (GRCh38, 1-based): chr15:40,218,547, G>A. VCF-style: chr15-40218547-G-A. GRCh37 (hg19) VCF-style: chr15-40510748-G-A.
Other names: c.-201+880G>A (NM_001128628.3); c.-118+880G>A (NM_001128629.3); short protein forms S981N.
Identifiers: ClinVar variation 2565471 (VCV002565471.2), dbSNP rs2037835130, ClinGen allele CA391688384.
Genomic context (GRCh38, chr15:40,218,547, plus strand): 5'-ATTTACTATTGTTCAAGGAACACCTACAGGTCTTCTGGGATGGGTCCTTCTGGAAACTTA[G>A]CCAAAATATTTCTGAGTAAGTATTGATGAATGTCAGGGTCTCTGCCTGTCCCAATAATTT-3'
Protein context (NP_001202.5, residues 971-991): VFWDGSFWKL[Ser981Asn]QNISELKDGE

ClinVar aggregate classification (germline): Uncertain significance (1 of 4 stars; one submission).

Conditions:
Inborn genetic diseases. Identifiers: MedGen C0950123, MeSH D030342.

Submission:

Ambry Genetics
Classification: Uncertain significance for Inborn genetic diseases. Last evaluated: 2023-05-21. Review status: criteria provided, single submitter. Criteria: Ambry Variant Classification Scheme 2023. Collection method: clinical testing. Allele origin: germline.
Comment: The p.S981N variant (also known as c.2942G>A), located in coding exon 22 of the BUB1B gene, results from a G to A substitution at nucleotide position 2942. The serine at codon 981 is replaced by asparagine, an amino acid with highly similar properties. This amino acid position is conserved. In addition, this alteration is predicted to be tolerated by in silico analysis. Since supporting evidence is limited at this time, the clinical significance of this alteration remains unclear.